The following is an entry in ClinVar:

NM_201596.3(CACNB2):c.213+110351C>A

Genes: CACNB2 (calcium voltage-gated channel auxiliary subunit beta 2; plus strand), CACNB2-AS2 (CACNB2 antisense RNA 2; minus strand). Cytogenetic location: 10p12.33.
Variant type: single nucleotide variant.
Coding change: c.213+110351C>A on transcript NM_201596.3 (MANE Select); 110351 bases into the intron after coding-DNA position 213, C replaced by A.
Molecular consequence: intron variant.
Genome position (GRCh38, 1-based): chr10:18,261,326, C>A. VCF-style: chr10-18261326-C-A. GRCh37 (hg19) VCF-style: chr10-18550255-C-A.
Other names: c.129+110351C>A (NM_201571.4, NM_001167945.2, NM_201572.4); c.213+110351C>A (NM_201593.3, NM_201597.3); c.48+9C>A (NM_000724.4, NM_001330060.2).
Identifiers: ClinVar variation 392554 (VCV000392554.3), dbSNP rs1057524538, ClinGen allele CA16606648.

ClinVar aggregate classification (germline): Likely benign (1 of 4 stars; one submission).

Allele frequency attached by ClinVar (database versions not stated): TOPMed 0.00002; gnomAD exomes 0.00002.
gnomAD v4.1: 35 of 1,551,458 alleles (0.0023%); highest among the groups gnomAD compares: Non-Finnish European, 0.0031%; no homozygotes.

Submission:

GeneDx
Classification: Likely benign. Last evaluated: 2017-01-15. Review status: criteria provided, single submitter. Criteria: GeneDx Variant Classification (06012015). Collection method: clinical testing. Allele origin: germline. Affected: yes.
Comment: This variant is considered likely benign or benign based on one or more of the following criteria: it is a conservative change, it occurs at a poorly conserved position in the protein, it is predicted to be benign by multiple in silico algorithms, and/or has population frequency not consistent with disease.